The following is an entry in ClinVar:

NM_001211.6(BUB1B):c.2215G>C (p.Ala739Pro)

Gene: BUB1B (BUB1 mitotic checkpoint serine/threonine kinase B; plus strand). Cytogenetic location: 15q15.1.
Variant type: single nucleotide variant.
Coding change: c.2215G>C on transcript NM_001211.6 (MANE Select); coding-DNA position 2215, G replaced by C.
Protein change: p.Ala739Pro; replaces alanine 739 with proline.
Molecular consequence: missense variant.
Genome position (GRCh38, 1-based): chr15:40,209,706, G>C. VCF-style: chr15-40209706-G-C. GRCh37 (hg19) VCF-style: chr15-40501907-G-C.
Other names: short protein forms A739P.
Identifiers: ClinVar variation 1787829 (VCV001787829.2), dbSNP rs2037685683, ClinGen allele CA391694405.
Genomic context (GRCh38, chr15:40,209,706, plus strand): 5'-CAGTCACCATGGTGTTCACAGTATCGCAGACAGCTACTGAAGTCCCTACCAGAGTTAAGT[G>C]CCTCTGCAGAGTTGTGTATAGAAGACAGACCAATGCCTAAGTTGGAAATTGAGAAGGAAA-3'
Protein context (NP_001202.5, residues 729-749): QLLKSLPELS[Ala739Pro]SAELCIEDRP

ClinVar aggregate classification (germline): Uncertain significance (1 of 4 stars; one submission).

Conditions:
Inborn genetic diseases. Identifiers: MedGen C0950123, MeSH D030342.

Allele frequency attached by ClinVar (database versions not stated): gnomAD exomes below 0.00001; TOPMed below 0.00001; gnomAD 0.00001.
gnomAD v4.1: 3 of 1,613,892 alleles (0.00019%); highest among the groups gnomAD compares: Non-Finnish European, 0.00025%; no homozygotes.

Submission:

Ambry Genetics
Classification: Uncertain significance for Inborn genetic diseases. Last evaluated: 2021-10-03. Review status: criteria provided, single submitter. Criteria: Ambry Variant Classification Scheme 2023. Collection method: clinical testing. Allele origin: germline.
Comment: The p.A739P variant (also known as c.2215G>C), located in coding exon 17 of the BUB1B gene, results from a G to C substitution at nucleotide position 2215. The alanine at codon 739 is replaced by proline, an amino acid with highly similar properties. This amino acid position is conserved. In addition, this alteration is predicted to be tolerated by in silico analysis. Since supporting evidence is limited at this time, the clinical significance of this alteration remains unclear.